The following is an entry in ClinVar:

ClinVar aggregate classification (germline): Uncertain significance (1 of 4 stars; one submission).

Conditions:
Hereditary cancer-predisposing syndrome. Also called: Neoplastic Syndromes, Hereditary; Tumor predisposition; Hereditary neoplastic syndrome; Hereditary Cancer Syndrome. Identifiers: Orphanet 140162, MedGen C0027672, MeSH D009386, MONDO:0015356.

Submission:

Ambry Genetics
Classification: Uncertain significance for Hereditary cancer-predisposing syndrome. Last evaluated: 2023-02-21. Review status: criteria provided, single submitter. Criteria: Ambry Variant Classification Scheme 2023. Collection method: clinical testing. Allele origin: germline.
Comment: The p.N730T variant (also known as c.2189A>C), located in coding exon 13 of the PMS2 gene, results from an A to C substitution at nucleotide position 2189. The asparagine at codon 730 is replaced by threonine, an amino acid with similar properties. This amino acid position is conserved. In addition, this alteration is predicted to be tolerated by in silico analysis. Since supporting evidence is limited at this time, the clinical significance of this alteration remains unclear.

NM_000535.7(PMS2):c.2189A>C (p.Asn730Thr)

Gene: PMS2 (PMS1 homolog 2, mismatch repair system component; minus strand). Cytogenetic location: 7p22.1.
Variant type: single nucleotide variant.
Coding change: c.2189A>C on transcript NM_000535.7 (MANE Select); coding-DNA position 2189, A replaced by C.
Protein change: p.Asn730Thr; replaces asparagine 730 with threonine.
Molecular consequence: missense variant. On other transcripts: non-coding transcript variant (1), intron variant (2).
Genome position (GRCh38, 1-based): chr7:5,978,682, T>G on the plus strand (A>C on the coding strand, the complement: PMS2 is on the minus strand). VCF-style: chr7-5978682-T-G. GRCh37 (hg19) VCF-style: chr7-6018313-T-G.
Other names: c.1784A>C, p.Asn595Thr (NM_001018040.1, NM_001322003.2, NM_001322004.2 and 15 more transcripts); c.2033A>C, p.Asn678Thr (NM_001322006.2, NM_001406870.1); c.1871A>C, p.Asn624Thr (NM_001322007.2, NM_001322008.2, NM_001406876.1 and 1 more transcripts); c.1628A>C, p.Asn543Thr (NM_001322010.2, NM_001406906.1, NM_001406907.1); c.1256A>C, p.Asn419Thr (NM_001322011.2, NM_001322012.2); c.1616A>C, p.Asn539Thr (NM_001322013.2, NM_001406908.1, NM_001406909.1); c.2189A>C, p.Asn730Thr (NM_001322014.2); c.1880A>C, p.Asn627Thr (NM_001322015.2, NM_001406875.1, NM_001406877.1 and 5 more transcripts); and 16 more; short protein forms N419T, N473T, N572T, N618T, N622T, N624T, N664T, N730T.
Identifiers: ClinVar variation 2451626 (VCV002451626.2), dbSNP rs2128683843, ClinGen allele CA366736922.